The following is an entry in ClinVar:

NM_000059.4(BRCA2):c.2410G>T (p.Glu804Ter)

Gene: BRCA2 (BRCA2 DNA repair associated; plus strand). Cytogenetic location: 13q13.1.
Variant type: single nucleotide variant.
Coding change: c.2410G>T on transcript NM_000059.4 (MANE Select); coding-DNA position 2410, G replaced by T.
Protein change: p.Glu804Ter; replaces glutamic acid 804 with a stop codon.
Molecular consequence: nonsense.
Genome position (GRCh38, 1-based): chr13:32,336,765, G>T. VCF-style: chr13-32336765-G-T. GRCh37 (hg19) VCF-style: chr13-32910902-G-T.
Other names: short protein forms E804*.
Identifiers: ClinVar variation 1074309 (VCV001074309.7), dbSNP rs2137486181, ClinGen allele CA387772034.
Genomic context (GRCh38, chr13:32,336,765, plus strand): 5'-ATGATTTCTAGAGGCAAAGAATCATACAAAATGTCAGACAAGCTCAAAGGTAACAATTAT[G>T]AATCTGATGTTGAATTAACCAAAAATATTCCCATGGAAAAGAATCAAGATGTATGTGCTT-3'

ClinVar aggregate classification (germline): Pathogenic (1 of 4 stars; one submission).

Conditions:
Hereditary breast ovarian cancer syndrome. Also called: Hereditary breast and ovarian cancer syndrome (HBOC); Hereditary breast and/or ovarian cancer syndrome; Hereditary breast and ovarian cancer; BRCA1- and BRCA2-Associated Hereditary Breast and Ovarian Cancer; Hereditary breast and ovarian cancer syndrome; Breast and ovarian cancer. Identifiers: Orphanet 145, MedGen C0677776, MeSH D061325, MONDO:0003582. Disease mechanism: loss of function.

Submission:

Labcorp Genetics (formerly Invitae), Labcorp
Classification: Pathogenic for Hereditary breast ovarian cancer syndrome. Last evaluated: 2024-06-17. Review status: criteria provided, single submitter. Criteria: Invitae Variant Classification Sherloc (09022015). Collection method: clinical testing. Allele origin: germline.
Comment: This sequence change creates a premature translational stop signal (p.Glu804*) in the BRCA2 gene. It is expected to result in an absent or disrupted protein product. Loss-of-function variants in BRCA2 are known to be pathogenic (PMID: 20104584). This variant is not present in population databases (gnomAD no frequency). This variant has not been reported in the literature in individuals affected with BRCA2-related conditions. ClinVar contains an entry for this variant (Variation ID: 1074309). For these reasons, this variant has been classified as Pathogenic.

Literature cited by the submitters: PubMed 20104584.